The following is an entry in ClinVar:

ClinVar aggregate classification (germline): Pathogenic/Likely pathogenic. Review status: criteria provided, multiple submitters, no conflicts (2 of 4 stars). 7 submissions from 7 submitters: Pathogenic (1); Likely pathogenic (5). 1 of the submissions does not count toward it. Last evaluated 2025-11-17.

Conditions:
CFTR-related disorder (CFTR-RD). Also called: CFTR-related condition; CFTR-related disorders. Identifiers: MedGen C5924204, MONDO:7770004.
Cystic fibrosis (CF). Also called: MUCOVISCIDOSIS. Identifiers: Orphanet 586, MedGen C0010674, MONDO:0009061, OMIM 219700. Disease mechanism: loss of function.
Congenital bilateral aplasia of vas deferens from CFTR mutation (CBAVD). Identifiers: Orphanet 48, MedGen C0403814, MONDO:0010178, OMIM 277180. Disease mechanism: loss of function.

Allele frequency attached by ClinVar (database versions not stated): TOPMed 0.00004; gnomAD exomes 0.00001; ExAC 0.00002; gnomAD 0.00002.
gnomAD v4.1: 12 of 1,603,778 alleles (0.00075%); highest among the groups gnomAD compares: East Asian, 0.0067%; no homozygotes.

Submissions (7):

Natera, Inc.
Classification: Likely pathogenic for CFTR-related disorders. Last evaluated: 2025-11-17. Review status: criteria provided, single submitter. Criteria: Natera Variant Classification Schema (03/2026). Collection method: clinical testing. Allele origin: germline.
Comment: The c.1405A>G variant in CFTR is a missense variant predicted to cause substitution of methionine to valine at amino acid 469. This variant is rare in the general population with a frequency below the threshold expected for the associated phenotype(s). This variant has been observed in one or more individuals affected with the associated recessive disease, as either homozygous or compound heterozygous with a second variant (PMID: 22299590, 36437957). This variant has been identified in one or more affected individual with a phenotype highly consistent with the associated gene (PMID: 22299590). Functional studies show that this variant may disrupt protein function (PMID: 36567205). Computational prediction algorithms indicate this variant is likely to affect gene or protein function. Given the available evidence, this variant is classified as Likely Pathogenic.

Labcorp Genetics (formerly Invitae), Labcorp
Classification: Likely pathogenic for Cystic fibrosis. Last evaluated: 2025-11-12. Review status: criteria provided, single submitter. Criteria: Invitae Variant Classification Sherloc (09022015). Collection method: clinical testing. Allele origin: germline.
Comment: This sequence change replaces methionine, which is neutral and non-polar, with valine, which is neutral and non-polar, at codon 469 of the CFTR protein (p.Met469Val). This variant is present in population databases (rs397508203, gnomAD 0.01%). This missense change has been observed in individual(s) with azoospermia, clinical features of cystic fibrosis, and/or congenital absence of the vas deferens (CAVD) (PMID: 22299590, 23953609, 24559724, 35913788, 36437957). ClinVar contains an entry for this variant (Variation ID: 53248). Invitae Evidence Modeling of protein sequence and biophysical properties (such as structural, functional, and spatial information, amino acid conservation, physicochemical variation, residue mobility, and thermodynamic stability) indicates that this missense variant is expected to disrupt CFTR protein function with a positive predictive value of 80%. Experimental studies have shown that this missense change affects CFTR function (PMID: 36567205). This variant disrupts the p.Met469 amino acid residue in CFTR. Other variant(s) that disrupt this residue have been observed in individuals with CFTR-related conditions (PMID: 30811104), which suggests that this may be a clinically significant amino acid residue. In summary, the currently available evidence indicates that the variant is pathogenic, but additional data are needed to prove that conclusively. Therefore, this variant has been classified as Likely Pathogenic.

Women's Health and Genetics/Laboratory Corporation of America, LabCorp
Classification: Likely pathogenic for Congenital bilateral aplasia of vas deferens from CFTR mutation. Last evaluated: 2025-09-15. Review status: criteria provided, single submitter. Criteria: LabCorp Variant Classification Summary - May 2015. Collection method: clinical testing. Allele origin: germline.
Comment: Variant summary: CFTR c.1405A>G (p.Met469Val) results in a conservative amino acid change in the encoded protein sequence. Algorithms developed to predict the effect of missense changes on protein structure and function are either unavailable or do not agree on the potential impact of this missense change. The variant allele was found at a frequency of 1.2e-05 in 251258 control chromosomes. c.1405A>G has been reported in the literature and CFTR databases in individuals affected with Congenital Bilateral Absence Of The Vas Deferens (CBAVD) or obstructive azoospermia (e.g. Lu_2013, Lu_2014, Fang_2022, SickKids CFTR database, CFTR-France). It has also been reported in the heterozygous state in an individual with chronic pancreatitis, without strong evidence for causality (Xiao_2017) and together with F508del in a CF patient (Sachdeva_2012). These data indicate that the variant may be associated with disease. Multiple studies report experimental evidence evaluating an impact on protein function (Bergougnoux_2023, Bihler_2018). The results indicate that the variant negatively affects protein function. The following publications have been ascertained in the context of this evaluation (PMID: 36567205, 36437957, 24559724, 23953609, 22299590, 29173301, 38388235). ClinVar contains an entry for this variant (Variation ID: 53248). Based on the evidence outlined above, the variant was classified as likely pathogenic.

MGZ Medical Genetics Center
Classification: Likely pathogenic for Congenital bilateral aplasia of vas deferens from CFTR mutation. Last evaluated: 2021-07-22. Review status: criteria provided, single submitter. Criteria: ACMG Guidelines, 2015. Collection method: clinical testing. Allele origin: germline. Affected: yes. Observed: 1 variant allele.
Comment: ACMG criteria applied: PS4_MOD, PM3, PM2_SUP, PP3

CFTR-France
Classification: Pathogenic for cystic fibrosis; CFTR-related disorders. Last evaluated: 2018-03-26. Review status: criteria provided, single submitter. Criteria: Claustres M et al. (Hum Mutat 2017). Collection method: curation. Allele origin: germline. Affected: yes.
Comment: the variant causes a phenotype but regarding our data, we can't formally attribute it to CF, CFTR-RD or both

Juno Genomics, Hangzhou Juno Genomics, Inc
Classification: Likely pathogenic for Congenital bilateral aplasia of vas deferens from CFTR mutation; Cystic fibrosis. Review status: criteria provided, single submitter. Criteria: ACMG Guidelines, 2015. Collection method: clinical testing. Allele origin: germline.
Comment: Absent from controls (or at extremely low frequency if recessive) in Genome Aggregation Database.;Well-established in vitro or in vivo functional studies supportive of a damaging effect on the gene or gene product.;For recessive disorders, detected in trans with a pathogenic variant.;Patient's phenotype or family history is highly specific for a disease with a single genetic etiology.

ClinVar Staff, National Center for Biotechnology Information (NCBI)
No classification provided. Condition: CFTR-related disorders. Review status: no classification provided. Collection method: literature only. Allele origin: germline. Affected: yes. Not counted in ClinVar's aggregate classification.

Literature cited by the submitters: PubMed 22299590 (cited by 3 submitters); PubMed 36437957 (cited by 3 submitters); PubMed 36567205 (cited by 3 submitters); PubMed 23953609 (cited by Labcorp Genetics (formerly Invitae), Labcorp and Women's Health and Genetics/Laboratory Corporation of America, LabCorp); PubMed 24559724 (cited by Labcorp Genetics (formerly Invitae), Labcorp and Women's Health and Genetics/Laboratory Corporation of America, LabCorp); PubMed 35913788 (cited by Labcorp Genetics (formerly Invitae), Labcorp); PubMed 30811104 (cited by Labcorp Genetics (formerly Invitae), Labcorp); PubMed 29173301 (cited by Women's Health and Genetics/Laboratory Corporation of America, LabCorp); PubMed 38388235 (cited by Women's Health and Genetics/Laboratory Corporation of America, LabCorp); PubMed 20059485 (cited by ClinVar Staff, National Center for Biotechnology Information (NCBI)).

NM_000492.4(CFTR):c.1405A>G (p.Met469Val)

Genes: CFTR-AS1 (CFTR antisense RNA 1; minus strand), CFTR (CF transmembrane conductance regulator; plus strand). Cytogenetic location: 7q31.2.
Variant type: single nucleotide variant.
Coding change: c.1405A>G on transcript NM_000492.4 (MANE Select); coding-DNA position 1405, A replaced by G.
Protein change: p.Met469Val; replaces methionine 469 with valine.
Molecular consequence: missense variant.
Genome position (GRCh38, 1-based): chr7:117,559,476, A>G. VCF-style: chr7-117559476-A-G. GRCh37 (hg19) VCF-style: chr7-117199530-A-G.
Other names: short protein forms M469V.
Identifiers: ClinVar variation 53248 (VCV000053248.14), dbSNP rs397508203, ClinGen allele CA326475.
Genomic context (GRCh38, chr7:117,559,476, plus strand): 5'-CTGAGCGTGATTTGATAATGACCTAATAATGATGGGTTTTATTTCCAGACTTCACTTCTA[A>G]TGGTGATTATGGGAGAACTGGAGCCTTCAGAGGGTAAAATTAAGCACAGTGGAAGAATTT-3'
Protein context (NP_000483.3, residues 459-479): STGAGKTSLL[Met469Val]VIMGELEPSE